The following is an entry in ClinVar:

NM_001018005.2(TPM1):c.85A>C (p.Lys29Gln)

Gene: TPM1 (tropomyosin 1; plus strand). Cytogenetic location: 15q22.2.
Variant type: single nucleotide variant.
Coding change: c.85A>C on transcript NM_001018005.2 (MANE Select); coding-DNA position 85, A replaced by C.
Protein change: p.Lys29Gln; replaces lysine 29 with glutamine.
Molecular consequence: missense variant.
Genome position (GRCh38, 1-based): chr15:63,042,914, A>C. VCF-style: chr15-63042914-A-C. GRCh37 (hg19) VCF-style: chr15-63335113-A-C.
Other names: c.85A>C, p.Lys29Gln (NM_000366.6, NM_001018004.2, NM_001018006.2 and 24 more transcripts); short protein forms K29Q.
Identifiers: ClinVar variation 2444273 (VCV002444273.1), dbSNP rs1255071660, ClinGen allele CA392718104.

ClinVar aggregate classification (germline): Uncertain significance (1 of 4 stars; one submission).

Conditions:
Hypertrophic cardiomyopathy 3. Also called: TPM1-Related Familial Hypertrophic Cardiomyopathy. Identifiers: MedGen C1861863, MONDO:0007267, OMIM 115196.

Submission:

3billion
Classification: Uncertain significance for Hypertrophic cardiomyopathy 3. Last evaluated: 2023-02-23. Review status: criteria provided, single submitter. Criteria: ACMG Guidelines, 2015. Collection method: clinical testing. Allele origin: unknown. Affected: yes.
Comment: The variant is not observed in the gnomAD v2.1.1 dataset. Missense changes are a common disease-causing mechanism. In silico tool predictions suggest damaging effect of the variant on gene or gene product (3Cnet: 0.87). However, the evidence of pathogenicity is insufficient at this time.Therefore, this variant is classified as VUS according to the recommendation of ACMG/AMP guideline.